The following is an entry in ClinVar:

NM_001211.6(BUB1B):c.130G>A (p.Ala44Thr)

Gene: BUB1B (BUB1 mitotic checkpoint serine/threonine kinase B; plus strand). Cytogenetic location: 15q15.1.
Variant type: single nucleotide variant.
Coding change: c.130G>A on transcript NM_001211.6 (MANE Select); coding-DNA position 130, G replaced by A.
Protein change: p.Ala44Thr; replaces alanine 44 with threonine.
Molecular consequence: missense variant.
Genome position (GRCh38, 1-based): chr15:40,165,147, G>A. VCF-style: chr15-40165147-G-A. GRCh37 (hg19) VCF-style: chr15-40457348-G-A.
Other names: short protein forms A44T.
Identifiers: ClinVar variation 1769630 (VCV001769630.2), dbSNP rs2542508739, ClinGen allele CA391677185.

ClinVar aggregate classification (germline): Uncertain significance (1 of 4 stars; one submission).

Conditions:
Inborn genetic diseases. Identifiers: MedGen C0950123, MeSH D030342.

Submission:

Ambry Genetics
Classification: Uncertain significance for Inborn genetic diseases. Last evaluated: 2021-08-02. Review status: criteria provided, single submitter. Criteria: Ambry Variant Classification Scheme 2023. Collection method: clinical testing. Allele origin: germline.
Comment: The p.A44T variant (also known as c.130G>A), located in coding exon 2 of the BUB1B gene, results from a G to A substitution at nucleotide position 130. The alanine at codon 44 is replaced by threonine, an amino acid with similar properties. This amino acid position is conserved. In addition, this alteration is predicted to be tolerated by in silico analysis. Since supporting evidence is limited at this time, the clinical significance of this alteration remains unclear.